The following is an entry in ClinVar:

NM_001023.4(RPS20):c.159A>T (p.Pro53=)

Gene: RPS20 (ribosomal protein S20; minus strand). Cytogenetic location: 8q12.1.
Variant type: single nucleotide variant.
Coding change: c.159A>T on transcript NM_001023.4 (MANE Select); coding-DNA position 159, A replaced by T.
Protein change: p.Pro53=; no amino-acid change (proline 53 retained).
Molecular consequence: synonymous variant.
Genome position (GRCh38, 1-based): chr8:56,073,713, T>A on the plus strand (A>T on the coding strand, the complement: RPS20 is on the minus strand). VCF-style: chr8-56073713-T-A. GRCh37 (hg19) VCF-style: chr8-56986272-T-A.
Other names: c.159A>T, p.Pro53= (NM_001146227.3).
Identifiers: ClinVar variation 3947635 (VCV003947635.2).
Genomic context (GRCh38, chr8:56,073,713, plus strand): 5'-CCGGAAGCAACTCCTACTTCCTGCCCCTCCGATTTACTTTACCTTGGTAGGCATTCGAAC[T>A]GGTCCTTTCACTTTGAGATTCTTTTCTTTTGCGCCTCTTATCAAGTCAGCACACACTACA-3'
Protein context (NP_001014.1, residues 43-63): AKEKNLKVKG[Pro53=]VRMPTKTLRI

ClinVar aggregate classification (germline): Benign/Likely benign. Review status: criteria provided, multiple submitters, no conflicts (2 of 4 stars). 2 submissions from 2 submitters: Benign (1); Likely benign (1). Last evaluated 2026-08-03.

Conditions:
Familial colorectal cancer type X. Identifiers: Orphanet 440437, MedGen C3896578, MONDO:0018604.

Submissions (2):

Myriad Genetics, Inc.
Classification: Benign for Familial colorectal cancer type X. Last evaluated: 2026-08-03. Review status: criteria provided, single submitter. Criteria: Myriad Autosomal Dominant, Autosomal Recessive and X-Linked Classification Criteria (2023). Collection method: clinical testing. Allele origin: unknown.
Comment: This variant is considered benign. This variant is a silent/synonymous amino acid change and it is not expected to impact splicing.

Ambry Genetics
Classification: Likely benign. Last evaluated: 2025-04-06. Review status: criteria provided, single submitter. Criteria: Ambry Variant Classification Scheme 2023. Collection method: clinical testing. Allele origin: germline.